The following is an entry in ClinVar:

NM_018699.4(PRDM5):c.452G>C (p.Arg151Thr)

Gene: PRDM5 (PR/SET domain 5; minus strand). Cytogenetic location: 4q27.
Variant type: single nucleotide variant.
Coding change: c.452G>C on transcript NM_018699.4 (MANE Select); coding-DNA position 452, G replaced by C.
Protein change: p.Arg151Thr; replaces arginine 151 with threonine.
Molecular consequence: missense variant.
Genome position (GRCh38, 1-based): chr4:120,821,194, C>G on the plus strand (G>C on the coding strand, the complement: PRDM5 is on the minus strand). VCF-style: chr4-120821194-C-G. GRCh37 (hg19) VCF-style: chr4-121742349-C-G.
Other names: c.452G>C, p.Arg151Thr (NM_001300823.2, NM_001300824.2, NM_001379104.1 and 1 more transcripts); short protein forms R151T.
Identifiers: ClinVar variation 3227143 (VCV003227143.1), dbSNP rs770239636, ClinGen allele CA3061396.

ClinVar aggregate classification (germline): Uncertain significance (1 of 4 stars; one submission).

Conditions:
Cardiovascular phenotype. Identifiers: MedGen CN230736.

Allele frequency attached by ClinVar (database versions not stated): gnomAD exomes below 0.00001; ExAC 0.00001.
gnomAD v4.1: 1 of 1,614,112 alleles (0.000062%); highest among the groups gnomAD compares: Admixed American, 0.0017%; no homozygotes.

Submission:

Ambry Genetics
Classification: Uncertain significance for Cardiovascular phenotype. Last evaluated: 2023-12-04. Review status: criteria provided, single submitter. Criteria: Ambry Variant Classification Scheme 2023. Collection method: clinical testing. Allele origin: germline.
Comment: The p.R151T variant (also known as c.452G>C), located in coding exon 4 of the PRDM5 gene, results from a G to C substitution at nucleotide position 452. The arginine at codon 151 is replaced by threonine, an amino acid with similar properties. This amino acid position is conserved. In addition, this alteration is predicted to be tolerated by in silico analysis. Since supporting evidence is limited at this time, the clinical significance of this alteration remains unclear.